The following is an entry in ClinVar:

NM_001244008.2(KIF1A):c.1168G>A (p.Asp390Asn)

Gene: KIF1A (kinesin family member 1A; minus strand). Cytogenetic location: 2q37.3.
Variant type: single nucleotide variant.
Coding change: c.1168G>A on transcript NM_001244008.2 (MANE Select); coding-DNA position 1168, G replaced by A.
Protein change: p.Asp390Asn; replaces aspartic acid 390 with asparagine.
Molecular consequence: missense variant.
Genome position (GRCh38, 1-based): chr2:240,773,126, C>T on the plus strand (G>A on the coding strand, the complement: KIF1A is on the minus strand). VCF-style: chr2-240773126-C-T. GRCh37 (hg19) VCF-style: chr2-241712543-C-T.
Other names: c.1168G>A, p.Asp390Asn (NM_001320705.2, NM_001330289.2, NM_001330290.2 and 20 more transcripts); c.1168G>A (NM_004321.6); short protein forms D390N.
Identifiers: ClinVar variation 1468338 (VCV001468338.9), dbSNP rs1049441176, ClinGen allele CA68128592.

ClinVar aggregate classification (germline): Conflicting classifications of pathogenicity. Review status: criteria provided, conflicting classifications (1 of 4 stars). 2 submissions from 2 submitters: Uncertain significance (1); Likely benign (1). Last evaluated 2025-11-24.

Conditions:
Hereditary spastic paraplegia 30. Identifiers: Orphanet 101010, MedGen C5235139, MONDO:0012476.
Neuropathy, hereditary sensory, type 2C. Also called: KIF1A-Related HSAN2 (HSAN2C); Hereditary sensory and autonomic neuropathy type IIC. Identifiers: Orphanet 970, MedGen C3280168, MONDO:0013634, OMIM 614213.
Intellectual disability, autosomal dominant 9 (NESCAVS). Also called: KIF1A-Related Neurodevelopmental Disorder; NESCAV SYNDROME. Identifiers: Orphanet 662367, MedGen C5393830, MONDO:0013656, OMIM 614255.

Allele frequency attached by ClinVar (database versions not stated): TOPMed below 0.00001; gnomAD 0.00001; gnomAD exomes 0.00001.
gnomAD v4.1: 6 of 1,612,542 alleles (0.00037%); highest among the groups gnomAD compares: African/African-American, 0.0013%; no homozygotes.

Submissions (2):

Labcorp Genetics (formerly Invitae), Labcorp
Classification: Likely benign for Hereditary spastic paraplegia 30; Neuropathy, hereditary sensory, type 2C; Intellectual disability, autosomal dominant 9. Last evaluated: 2025-11-24. Review status: criteria provided, single submitter. Criteria: Invitae Variant Classification Sherloc (09022015). Collection method: clinical testing. Allele origin: germline.

GeneDx
Classification: Uncertain significance. Last evaluated: 2023-10-05. Review status: criteria provided, single submitter. Criteria: GeneDx Variant Classification Process June 2021. Collection method: clinical testing. Allele origin: germline. Affected: yes.
Comment: In silico analysis supports that this missense variant has a deleterious effect on protein structure/function; Has not been previously published as pathogenic or benign to our knowledge